The following is an entry in ClinVar:

ClinVar aggregate classification (germline): Likely pathogenic. Review status: criteria provided, single submitter (1 of 4 stars). 2 submissions from 2 submitters: Likely pathogenic (1). 1 of the submissions does not count toward it. Last evaluated 2025-01-30.

Conditions:
MAF-related disorder. Also called: MAF-related condition.
Cataract 21 multiple types. Also called: CATARACT 21, MULTIPLE TYPES, WITH MICROCORNEA; Cataract, congenital, cerulean type, 4; CATARACT 21, MULTIPLE TYPES, WITH OR WITHOUT MICROCORNEA; CATARACT 21, CERULEAN, WITH OR WITHOUT MICROCORNEA. Identifiers: Orphanet 91492, MedGen C1857768, MONDO:0012437, OMIM 610202.

Submissions (2):

PreventionGenetics, part of Exact Sciences
Classification: Likely pathogenic for MAF-related condition. Last evaluated: 2025-01-30. Review status: criteria provided, single submitter. Criteria: ACMG Guidelines, 2015. Collection method: clinical testing. Allele origin: germline.
Comment: The MAF c.863G>C variant is predicted to result in the amino acid substitution p.Arg288Pro. This variant was reported to segregate in a family with congenital cataract and coloboma (Jamieson et al. 2002. PubMed ID: 11772997). In a functional study, this variant had reduced transcriptional activation of MAF targets (Vanita et al. 2014. PubMed ID: 25064449). This variant has not been reported in a large population database (gnomAD), indicating this variant is rare. This variant has not been reported in a large population database (gnomAD), indicating this variant is rare. This variant is interpreted as likely pathogenic.

OMIM
Classification: Pathogenic for CATARACT 21, MULTIPLE TYPES, WITH OR WITHOUT MICROCORNEA. Last evaluated: 2012-03-16. Review status: no assertion criteria provided. Collection method: literature only. Allele origin: germline. Not counted in ClinVar's aggregate classification.

Literature cited by the submitters: PubMed 11772997 (cited by OMIM); PubMed 22345400 (cited by OMIM).

NM_005360.5(MAF):c.863G>C (p.Arg288Pro)

Gene: MAF (MAF bZIP transcription factor; minus strand). Cytogenetic location: 16q23.2.
Variant type: single nucleotide variant.
Coding change: c.863G>C on transcript NM_005360.5 (MANE Select); coding-DNA position 863, G replaced by C.
Protein change: p.Arg288Pro; replaces arginine 288 with proline.
Molecular consequence: missense variant.
Genome position (GRCh38, 1-based): chr16:79,599,040, C>G on the plus strand (G>C on the coding strand, the complement: MAF is on the minus strand). VCF-style: chr16-79599040-C-G. GRCh37 (hg19) VCF-style: chr16-79632937-C-G.
Other names: c.863G>C, p.Arg288Pro (NM_001031804.3); c.863G>C (NM_005360.4); short protein forms R288P.
Identifiers: ClinVar variation 13231 (VCV000013231.3), dbSNP rs121917735, ClinGen allele CA122972.